The following is an entry in ClinVar:

ClinVar aggregate classification (germline): Uncertain significance (1 of 4 stars; one submission).

Conditions:
Developmental and epileptic encephalopathy 94 (DEE94). Also called: CHD2-Related Neurodevelopmental Disorders; Epileptic encephalopathy, childhood-onset. Identifiers: Orphanet 1942, Orphanet 2382, MedGen C3809278, MONDO:0014150, OMIM 615369.

Submission:

Labcorp Genetics (formerly Invitae), Labcorp
Classification: Uncertain significance for Developmental and epileptic encephalopathy 94. Last evaluated: 2023-03-19. Review status: criteria provided, single submitter. Criteria: Invitae Variant Classification Sherloc (09022015). Collection method: clinical testing. Allele origin: germline.
Comment: This sequence change falls in intron 16 of the CHD2 gene. It does not directly change the encoded amino acid sequence of the CHD2 protein. It affects a nucleotide within the consensus splice site. This variant is not present in population databases (gnomAD no frequency). This variant has not been reported in the literature in individuals affected with CHD2-related conditions. Variants that disrupt the consensus splice site are a relatively common cause of aberrant splicing (PMID: 17576681, 9536098). Algorithms developed to predict the effect of sequence changes on RNA splicing suggest that this variant may disrupt the consensus splice site. In summary, the available evidence is currently insufficient to determine the role of this variant in disease. Therefore, it has been classified as a Variant of Uncertain Significance.

Literature cited by the submitters: PubMed 17576681; PubMed 9536098.

NM_001271.4(CHD2):c.2000+4A>G

Gene: CHD2 (chromodomain helicase DNA binding protein 2; plus strand). Cytogenetic location: 15q26.1.
Variant type: single nucleotide variant.
Coding change: c.2000+4A>G on transcript NM_001271.4 (MANE Select); 4 bases into the intron after coding-DNA position 2000, A replaced by G.
Molecular consequence: intron variant.
Genome position (GRCh38, 1-based): chr15:92,956,653, A>G. VCF-style: chr15-92956653-A-G. GRCh37 (hg19) VCF-style: chr15-93499883-A-G.
Identifiers: ClinVar variation 2847603 (VCV002847603.3), dbSNP rs2505488641, ClinGen allele CA2739269748.